The following is an entry in ClinVar:

ClinVar aggregate classification (germline): Uncertain significance (1 of 4 stars; one submission).

Conditions:
Deficiency of butyryl-CoA dehydrogenase (ACADSD). Also called: Short-Chain Acyl-CoA Dehydrogenase Deficiency; ACADS DEFICIENCY; SCADH DEFICIENCY; SCAD DEFICIENCY, MILD; ACYL-CoA DEHYDROGENASE, SHORT-CHAIN, DEFICIENCY OF; SCAD Deficiency. Identifiers: Orphanet 26792, MedGen C0342783, MONDO:0008722, OMIM 201470. Disease mechanism: May be benign.

Submission:

Labcorp Genetics (formerly Invitae), Labcorp
Classification: Uncertain significance for Deficiency of butyryl-CoA dehydrogenase. Last evaluated: 2023-12-19. Review status: criteria provided, single submitter. Criteria: Invitae Variant Classification Sherloc (09022015). Collection method: clinical testing. Allele origin: germline.
Comment: This sequence change replaces arginine, which is basic and polar, with leucine, which is neutral and non-polar, at codon 330 of the ACADS protein (p.Arg330Leu). Information on the frequency of this variant in the gnomAD database is not available, as this variant may be reported differently in the database. This variant has not been reported in the literature in individuals affected with ACADS-related conditions. An algorithm developed to predict the effect of missense changes on protein structure and function (PolyPhen-2) suggests that this variant is likely to be disruptive. This variant disrupts the p.Arg330 amino acid residue in ACADS. Other variant(s) that disrupt this residue have been determined to be pathogenic (PMID: 16926354, 26274329; Invitae). This suggests that this residue is clinically significant, and that variants that disrupt this residue are likely to be disease-causing. In summary, the available evidence is currently insufficient to determine the role of this variant in disease. Therefore, it has been classified as a Variant of Uncertain Significance.

Literature cited by the submitters: PubMed 16926354; PubMed 26274329.

NM_000017.4(ACADS):c.989_990delinsTT (p.Arg330Leu)

Gene: ACADS (acyl-CoA dehydrogenase short chain; plus strand). Cytogenetic location: 12q24.31.
Variant type: Indel.
Coding change: c.989_990delinsTT on transcript NM_000017.4 (MANE Select); coding-DNA positions 989 to 990, GC replaced by TT.
Protein change: p.Arg330Leu; replaces arginine 330 with leucine.
Molecular consequence: missense variant.
Genome position (GRCh38, 1-based): chr12:120,738,875-120,738,876, GC replaced by TT. VCF-style: chr12-120738875-GC-TT. GRCh37 (hg19) VCF-style: chr12-121176678-GC-TT.
Other names: c.977_978delinsTT, p.Arg326Leu (NM_001302554.2); short protein forms R326L, R330L.
Identifiers: ClinVar variation 2879005 (VCV002879005.3), dbSNP rs1555244280, ClinGen allele CA2739277338.